The following is an entry in ClinVar:

ClinVar aggregate classification (germline): Uncertain significance (1 of 4 stars; one submission).

Conditions:
5-Oxoprolinase deficiency (OPLAHD). Also called: 5-OXOPROLINURIA DUE TO 5-OXOPROLINASE DEFICIENCY. Identifiers: Orphanet 33572, MedGen C0268525, MONDO:0009825, OMIM 260005, HP:0040142.

Allele frequency attached by ClinVar (database versions not stated): gnomAD 0.00001; TOPMed 0.00001; gnomAD exomes 0.00002; ExAC 0.00014; 1000 Genomes Project 30x 0.00016; 1000 Genomes Project 0.00040.
gnomAD v4.1: 33 of 1,603,554 alleles (0.0021%); highest among the groups gnomAD compares: East Asian, 0.036%; no homozygotes.

Submission:

Labcorp Genetics (formerly Invitae), Labcorp
Classification: Uncertain significance for 5-Oxoprolinase deficiency. Last evaluated: 2024-02-05. Review status: criteria provided, single submitter. Criteria: Invitae Variant Classification Sherloc (09022015). Collection method: clinical testing. Allele origin: germline.
Comment: This sequence change replaces serine, which is neutral and polar, with phenylalanine, which is neutral and non-polar, at codon 994 of the OPLAH protein (p.Ser994Phe). This variant is present in population databases (rs549059913, gnomAD 0.02%). This variant has not been reported in the literature in individuals affected with OPLAH-related conditions. ClinVar contains an entry for this variant (Variation ID: 2139631). An algorithm developed to predict the effect of missense changes on protein structure and function (PolyPhen-2) suggests that this variant is likely to be disruptive. In summary, the available evidence is currently insufficient to determine the role of this variant in disease. Therefore, it has been classified as a Variant of Uncertain Significance.

NM_017570.5(OPLAH):c.2981C>T (p.Ser994Phe)

Gene: OPLAH (5-oxoprolinase, ATP-hydrolysing; minus strand). Cytogenetic location: 8q24.3.
Variant type: single nucleotide variant.
Coding change: c.2981C>T on transcript NM_017570.5 (MANE Select); coding-DNA position 2981, C replaced by T.
Protein change: p.Ser994Phe; replaces serine 994 with phenylalanine.
Molecular consequence: missense variant.
Genome position (GRCh38, 1-based): chr8:144,053,020, G>A on the plus strand (C>T on the coding strand, the complement: OPLAH is on the minus strand). VCF-style: chr8-144053020-G-A. GRCh37 (hg19) VCF-style: chr8-145107923-G-A.
Other names: short protein forms S994F.
Identifiers: ClinVar variation 2139631 (VCV002139631.3), dbSNP rs549059913, ClinGen allele CA4931271.